The following is an entry in ClinVar:

ClinVar aggregate classification (germline): Likely pathogenic. Review status: criteria provided, single submitter (1 of 4 stars). 2 submissions from 2 submitters: Likely pathogenic (1). 1 of the submissions does not count toward it. Last evaluated 2026-02-05.

Conditions:
Lowry-Wood syndrome (LWS). Identifiers: Orphanet 1824, MedGen C0796021, MONDO:0009191, OMIM 226960.

Allele frequency attached by ClinVar (database versions not stated): TOPMed below 0.00001.

Submissions (2):

GeneDx
Classification: Likely pathogenic. Last evaluated: 2026-02-05. Review status: criteria provided, single submitter. Criteria: GeneDx Variant Classification Process June 2021. Collection method: clinical testing. Allele origin: germline.
Comment: Reported in trans based on sequencing data with a second variant in the RNU4ATAC gene in a patient with skeletal and neurodevelopmental features in the published literature (PMID: 30368667); Located in the critical Sm protein-binding domain, known to be intolerant to change (PMID: 26522830, 29263834, 32628740); In the absence of RNA/functional studies, the actual effect of this sequence change is unknown; Not observed at significant frequency in large population cohorts (gnomAD); Also known as n.120T>G; This variant is associated with the following publications: (PMID: 32628740, 33660780, 30368667, 19288552, 26522830, 29263834)

OMIM
Classification: Pathogenic for LOWRY-WOOD SYNDROME. Last evaluated: 2020-09-11. Review status: no assertion criteria provided. Collection method: literature only. Allele origin: germline. Not counted in ClinVar's aggregate classification.

Literature cited by the submitters: PubMed 19288552 (cited by OMIM); PubMed 30368667 (cited by OMIM).

NR_023343.3(RNU4ATAC):n.120T>G

Genes: CLASP1 (cytoplasmic linker associated protein 1; minus strand), CLASP1-AS1 (CLASP1 antisense RNA 1; plus strand), RNU4ATAC (RNA, U4atac small nuclear; plus strand). Cytogenetic location: 2q14.2.
Variant type: single nucleotide variant.
Molecular consequence: intron variant (on NM_001395891.1).
Genome position: GRCh38 VCF-style: chr2-121530999-T-G. GRCh37 (hg19) VCF-style: chr2-122288575-T-G.
Other names: 120T-G; c.196-674A>C (NM_001142274.2, NM_015282.3, NM_001378003.1 and 5 more transcripts).
Identifiers: ClinVar variation 977779 (VCV000977779.3), dbSNP rs1281131043, ClinGen allele CA428888233.